The following is an entry in ClinVar:

NM_000038.6(APC):c.5262T>A (p.Ser1754=)

Gene: APC (APC regulator of Wnt signaling pathway; plus strand). Cytogenetic location: 5q22.2.
Variant type: single nucleotide variant.
Coding change: c.5262T>A on transcript NM_000038.6 (MANE Select); coding-DNA position 5262, T replaced by A.
Protein change: p.Ser1754=; no amino-acid change (serine 1754 retained).
Molecular consequence: synonymous variant.
Genome position (GRCh38, 1-based): chr5:112,840,856, T>A. VCF-style: chr5-112840856-T-A. GRCh37 (hg19) VCF-style: chr5-112176553-T-A.
Other names: c.5262T>A, p.Ser1754= (NM_001127510.3, NM_001354895.2); c.5208T>A, p.Ser1736= (NM_001127511.3); c.5316T>A, p.Ser1772= (NM_001354896.2); c.5292T>A, p.Ser1764= (NM_001354897.2); c.5187T>A, p.Ser1729= (NM_001354898.2); c.5178T>A, p.Ser1726= (NM_001354899.2); c.5139T>A, p.Ser1713= (NM_001354900.2); c.5085T>A, p.Ser1695= (NM_001354901.2); and 5 more.
Identifiers: ClinVar variation 232511 (VCV000232511.9), dbSNP rs876659812, ClinGen allele CA10578400.

ClinVar aggregate classification (germline): Benign/Likely benign. Review status: criteria provided, multiple submitters, no conflicts (2 of 4 stars). 3 submissions from 3 submitters: Benign (1); Likely benign (2). Last evaluated 2025-06-09.

Conditions:
Familial adenomatous polyposis 1 (FAP1). Also called: FAMILIAL ADENOMATOUS POLYPOSIS 1, ATTENUATED; POLYPOSIS, ADENOMATOUS INTESTINAL. Identifiers: MedGen C2713442, MONDO:0021056, OMIM 175100. Disease mechanism: loss of function.
Hereditary cancer-predisposing syndrome. Also called: Neoplastic Syndromes, Hereditary; Tumor predisposition; Hereditary Cancer Syndrome; Hereditary neoplastic syndrome. Identifiers: Orphanet 140162, MedGen C0027672, MeSH D009386, MONDO:0015356.

Allele frequency attached by ClinVar (database versions not stated): gnomAD exomes below 0.00001.
gnomAD v4.1: 2 of 1,614,090 alleles (0.00012%); highest among the groups gnomAD compares: Non-Finnish European, 0.00017%; no homozygotes.

Submissions (3):

Labcorp Genetics (formerly Invitae), Labcorp
Classification: Likely benign for Familial adenomatous polyposis 1. Last evaluated: 2025-06-09. Review status: criteria provided, single submitter. Criteria: Invitae Variant Classification Sherloc (09022015). Collection method: clinical testing. Allele origin: germline.

Myriad Genetics, Inc.
Classification: Benign for Familial adenomatous polyposis 1. Last evaluated: 2024-04-01. Review status: criteria provided, single submitter. Criteria: Myriad Autosomal Dominant, Autosomal Recessive and X-Linked Classification Criteria (2023). Collection method: clinical testing. Allele origin: unknown.
Comment: This variant is considered benign. This variant is a silent/synonymous amino acid change and it is not expected to impact splicing.

Ambry Genetics
Classification: Likely benign for Hereditary cancer-predisposing syndrome. Last evaluated: 2015-06-22. Review status: criteria provided, single submitter. Criteria: Ambry Variant Classification Scheme 2023. Collection method: clinical testing. Allele origin: germline.